The following is an entry in ClinVar:

NM_005732.4(RAD50):c.2838_2841dup (p.Lys948delinsTyrTer)

Gene: RAD50 (RAD50 double strand break repair protein; plus strand). Cytogenetic location: 5q31.1.
Variant type: Duplication.
Coding change: c.2838_2841dup on transcript NM_005732.4 (MANE Select); coding-DNA positions 2838 to 2841, 4 bases duplicated (TATT; older notation c.2838_2841dupTATT).
Protein change: p.Lys948delinsTyrTer.
Molecular consequence: nonsense.
Genome position (GRCh38, 1-based): chr5:132,609,125-132,609,128, TATT duplicated. VCF-style (leftmost placement, unchanged base first): chr5-132609124-A-ATATT. GRCh37 (hg19) VCF-style: chr5-131944816-A-ATATT.
Identifiers: ClinVar variation 1796662 (VCV001796662.2), dbSNP rs2479370952, ClinGen allele CA2580072695.

ClinVar aggregate classification (germline): Pathogenic (1 of 4 stars; one submission).

Conditions:
Hereditary cancer-predisposing syndrome. Also called: Tumor predisposition; Hereditary Cancer Syndrome; Neoplastic Syndromes, Hereditary; Hereditary neoplastic syndrome. Identifiers: Orphanet 140162, MedGen C0027672, MeSH D009386, MONDO:0015356.

Submission:

Ambry Genetics
Classification: Pathogenic for Hereditary cancer-predisposing syndrome. Last evaluated: 2020-01-06. Review status: criteria provided, single submitter. Criteria: Ambry Variant Classification Scheme 2023. Collection method: clinical testing. Allele origin: germline.
Comment: The c.2838_2841dupTATT variant, located in coding exon 18 of the RAD50 gene, results from a duplication of TATT at nucleotide position 2838, causing a translational frameshift with a predicted alternate stop codon (p.K948Yfs*2). This alteration is expected to result in loss of function by premature protein truncation or nonsense-mediated mRNA decay. As such, this alteration is interpreted as a disease-causing mutation.